The following is an entry in ClinVar:

NM_001303052.2(MYT1L):c.32G>T (p.Arg11Leu)

Gene: MYT1L (myelin transcription factor 1 like; minus strand). Cytogenetic location: 2p25.3.
Variant type: single nucleotide variant.
Coding change: c.32G>T on transcript NM_001303052.2 (MANE Select); coding-DNA position 32, G replaced by T.
Protein change: p.Arg11Leu; replaces arginine 11 with leucine.
Molecular consequence: missense variant.
Genome position (GRCh38, 1-based): chr2:1,979,746, C>A on the plus strand (G>T on the coding strand, the complement: MYT1L is on the minus strand). VCF-style: chr2-1979746-C-A. GRCh37 (hg19) VCF-style: chr2-1983518-C-A.
Other names: c.32G>T, p.Arg11Leu (NM_001329844.2, NM_001329845.1, NM_001329846.3 and 6 more transcripts); short protein forms R11L.
Identifiers: ClinVar variation 3773931 (VCV003773931.2).

ClinVar aggregate classification (germline): Uncertain significance. Review status: criteria provided, multiple submitters, no conflicts (2 of 4 stars). 2 submissions from 2 submitters: Uncertain significance (2). Last evaluated 2024-12-31.

Conditions:
Inborn genetic diseases. Identifiers: MedGen C0950123, MeSH D030342.

gnomAD v4.1: 5 of 1,613,872 alleles (0.00031%); highest among the groups gnomAD compares: Non-Finnish European, 0.00042%; no homozygotes.

Submissions (2):

Ambry Genetics
Classification: Uncertain significance for Inborn genetic diseases. Last evaluated: 2024-12-31. Review status: criteria provided, single submitter. Criteria: Ambry Variant Classification Scheme 2023. Collection method: clinical testing. Allele origin: germline.

GeneDx
Classification: Uncertain significance. Last evaluated: 2024-09-20. Review status: criteria provided, single submitter. Criteria: GeneDx Variant Classification Process June 2021. Collection method: clinical testing. Allele origin: germline. Affected: yes.
Comment: Not observed at significant frequency in large population cohorts (gnomAD); In silico analysis supports that this missense variant has a deleterious effect on protein structure/function; Has not been previously published as pathogenic or benign to our knowledge